The following is an entry in ClinVar:

ClinVar aggregate classification (germline): Uncertain significance (1 of 4 stars; one submission).

Conditions:
Inborn genetic diseases. Identifiers: MedGen C0950123, MeSH D030342.

Submission:

Ambry Genetics
Classification: Uncertain significance for Inborn genetic diseases. Last evaluated: 2024-12-08. Review status: criteria provided, single submitter. Criteria: Ambry Variant Classification Scheme 2023. Collection method: clinical testing. Allele origin: germline.
Comment: The p.K88T variant (also known as c.263A>C), located in coding exon 4 of the RECQL4 gene, results from an A to C substitution at nucleotide position 263. The lysine at codon 88 is replaced by threonine, an amino acid with similar properties. This amino acid position is conserved. In addition, this alteration is predicted to be tolerated by in silico analysis. Based on the available evidence, the clinical significance of this variant remains unclear.

NM_004260.4(RECQL4):c.263A>C (p.Lys88Thr)

Gene: RECQL4 (RecQ like helicase 4; minus strand). Cytogenetic location: 8q24.3.
Variant type: single nucleotide variant.
Coding change: c.263A>C on transcript NM_004260.4 (MANE Select); coding-DNA position 263, A replaced by C.
Protein change: p.Lys88Thr; replaces lysine 88 with threonine.
Molecular consequence: missense variant. On other transcripts: 5 prime UTR variant (17), non-coding transcript variant (3).
Genome position (GRCh38, 1-based): chr8:144,517,141, T>G on the plus strand (A>C on the coding strand, the complement: RECQL4 is on the minus strand). VCF-style: chr8-144517141-T-G. GRCh37 (hg19) VCF-style: chr8-145742525-T-G.
Other names: c.263A>C, p.Lys88Thr (NM_001413017.1, NM_001413018.1, NM_001413019.1 and 5 more transcripts); c.-458A>C (NM_001413021.1); c.-809A>C (NM_001413022.1, NM_001413023.1, NM_001413037.1 and 3 more transcripts); c.-706A>C (NM_001413024.1, NM_001413035.1); c.134A>C, p.Lys45Thr (NM_001413025.1); c.-871A>C (NM_001413027.1, NM_001413030.1, NM_001413031.1 and 1 more transcripts); c.-534A>C (NM_001413028.1); c.-768A>C (NM_001413032.1); and 2 more; short protein forms K45T, K88T.
Identifiers: ClinVar variation 3431916 (VCV003431916.1).
Genomic context (GRCh38, chr8:144,517,141, plus strand): 5'-CGCTGCCCGTAGTCCGGCACCGAGCCCTGGCGGCTCCGCCCTGGCGTAGACTGTGGACTC[T>G]TGGTCGCAGCCCGATTCAGATGGGGCCCCCAGCAGCGGGGCTCTGGCGCCTGCAGGAGAC-3'
Protein context (NP_004251.4, residues 78-98): WGPHLNRAAT[Lys88Thr]SPQSTPGRSR